The following is an entry in ClinVar:

ClinVar aggregate classification (germline): Likely pathogenic. Review status: no assertion criteria provided (0 of 4 stars). 2 submissions from 2 submitters: Likely pathogenic (1). 1 of the submissions does not count toward it.

Conditions:
Glycine encephalopathy. Also called: Nonketotic hyperglycinemia; Non-ketotic hyperglycinemia. Identifiers: Orphanet 407, MedGen C0751748, MONDO:0011612, HP:0008288.

Submissions (2):

GeneReviews
No classification provided. Condition: Glycine encephalopathy. Review status: no classification provided. Collection method: literature only. Allele origin: unknown. Not counted in ClinVar's aggregate classification.

Juha Muilu Group; Institute for Molecular Medicine Finland (FIMM)
Classification: Likely pathogenic for Non-ketotic hyperglycinemia. Review status: no assertion criteria provided. Collection method: not provided. Allele origin: unknown.
Comment: FinDis database variant: This variant was not found or characterized by our laboratory, data were collected from public sources: see reference
ClinVar note: Converted during submission from probable-pathogenic to Likely pathogenic.

Literature cited by the submitters: PubMed 20301531 (cited by GeneReviews); NCBI Bookshelf NBK1357 (cited by GeneReviews).

NM_000170.3(GLDC):c.2284G>A (p.Gly762Arg)

Gene: GLDC (glycine decarboxylase; minus strand). Cytogenetic location: 9p24.1.
Variant type: single nucleotide variant.
Coding change: c.2284G>A on transcript NM_000170.3 (MANE Select); coding-DNA position 2284, G replaced by A.
Protein change: p.Gly762Arg; replaces glycine 762 with arginine.
Molecular consequence: missense variant.
Genome position (GRCh38, 1-based): chr9:6,554,700, C>T on the plus strand (G>A on the coding strand, the complement: GLDC is on the minus strand). VCF-style: chr9-6554700-C-T. GRCh37 (hg19) VCF-style: chr9-6554700-C-T.
Other names: short protein forms G762R.
Identifiers: ClinVar variation 56069 (VCV000056069.4), dbSNP rs386833550, ClinGen allele CA344726.
Genomic context (GRCh38, chr9:6,554,700, plus strand): 5'-CATCCTGAAACCAGCAGCCCAGAACTTACACTCCGATGGGCCCCATGCCAGGACCACCTC[C>T]TCCGTGGGGAATGCAGAAGGTCTTGTGAAGATTTAGGTGCGAGACATCAGACCCGAAGTC-3'
Protein context (NP_000161.2, residues 752-772): LHKTFCIPHG[Gly762Arg]GGPGMGPIGV